The following is an entry in ClinVar:

ClinVar aggregate classification (germline): Uncertain significance (1 of 4 stars; one submission).

Conditions:
Hereditary cancer-predisposing syndrome. Also called: Neoplastic Syndromes, Hereditary; Tumor predisposition; Hereditary Cancer Syndrome; Hereditary neoplastic syndrome. Identifiers: Orphanet 140162, MedGen C0027672, MeSH D009386, MONDO:0015356.

Allele frequency attached by ClinVar (database versions not stated): gnomAD exomes below 0.00001.
gnomAD v4.1: 1 of 1,614,080 alleles (0.000062%); highest among the groups gnomAD compares: East Asian, 0.0022%; no homozygotes.

Submission:

Ambry Genetics
Classification: Uncertain significance for Hereditary cancer-predisposing syndrome. Last evaluated: 2020-12-10. Review status: criteria provided, single submitter. Criteria: Ambry Variant Classification Scheme 2023. Collection method: clinical testing. Allele origin: germline.
Comment: The p.P1125A variant (also known as c.3373C>G), located in coding exon 20 of the PTCH1 gene, results from a C to G substitution at nucleotide position 3373. The proline at codon 1125 is replaced by alanine, an amino acid with highly similar properties. This amino acid position is highly conserved in available vertebrate species. In addition, this alteration is predicted to be deleterious by in silico analysis. Since supporting evidence is limited at this time, the clinical significance of this alteration remains unclear.

NM_000264.5(PTCH1):c.3373C>G (p.Pro1125Ala)

Gene: PTCH1 (patched 1; minus strand). Cytogenetic location: 9q22.32.
Variant type: single nucleotide variant.
Coding change: c.3373C>G on transcript NM_000264.5 (MANE Select); coding-DNA position 3373, C replaced by G.
Protein change: p.Pro1125Ala; replaces proline 1125 with alanine.
Molecular consequence: missense variant. On other transcripts: non-coding transcript variant (1).
Genome position (GRCh38, 1-based): chr9:95,453,554, G>C on the plus strand (C>G on the coding strand, the complement: PTCH1 is on the minus strand). VCF-style: chr9-95453554-G-C. GRCh37 (hg19) VCF-style: chr9-98215836-G-C.
Other names: c.3175C>G, p.Pro1059Ala (NM_001083602.3); c.3370C>G, p.Pro1124Ala (NM_001083603.3); c.2920C>G, p.Pro974Ala (NM_001083604.3, NM_001083605.3, NM_001083606.3 and 1 more transcripts); c.3217C>G, p.Pro1073Ala (NM_001354918.2); short protein forms P1125A, P1124A, P974A, P1059A, P1073A.
Identifiers: ClinVar variation 1730752 (VCV001730752.2), dbSNP rs2136631650, ClinGen allele CA374111799.